The following is an entry in ClinVar:

NM_000884.3(IMPDH2):c.1142C>T (p.Ala381Val)

Gene: IMPDH2 (inosine monophosphate dehydrogenase 2; minus strand). Cytogenetic location: 3p21.31.
Variant type: single nucleotide variant.
Coding change: c.1142C>T on transcript NM_000884.3 (MANE Select); coding-DNA position 1142, C replaced by T.
Protein change: p.Ala381Val; replaces alanine 381 with valine.
Molecular consequence: missense variant.
Genome position (GRCh38, 1-based): chr3:49,025,134, G>A on the plus strand (C>T on the coding strand, the complement: IMPDH2 is on the minus strand). VCF-style: chr3-49025134-G-A. GRCh37 (hg19) VCF-style: chr3-49062567-G-A.
Other names: c.1214C>T, p.Ala405Val (NM_001410759.1); c.1139C>T, p.Ala380Val (NM_001410760.1); c.1067C>T, p.Ala356Val (NM_001410761.1); short protein forms A356V, A380V, A381V, A405V.
Identifiers: ClinVar variation 2504438 (VCV002504438.1), dbSNP rs2093192604, ClinGen allele CA352736481.
Genomic context (GRCh38, chr3:49,025,134, plus strand): 5'-AAGCAGCACTAGGGAGGGGGTCCCACTGGCCTTCACGGGTACTGGGCCTCACCTGTGGAG[G>A]CCCCAAGGGCCAAGGCTTTCGCAATATGACCCACATTTTGGATTCCTCCATCAGCAATGA-3'
Protein context (NP_000875.2, residues 371-391): GHIAKALALG[Ala381Val]STVMMGSLLA

ClinVar aggregate classification (germline): Uncertain significance (1 of 4 stars; one submission).

Allele frequency attached by ClinVar (database versions not stated): TOPMed below 0.00001.

Submission:

GeneDx
Classification: Uncertain significance. Last evaluated: 2022-12-01. Review status: criteria provided, single submitter. Criteria: GeneDx Variant Classification Process June 2021. Collection method: clinical testing. Allele origin: germline. Affected: yes.
Comment: Has not been previously published as pathogenic or benign to our knowledge; Not observed at significant frequency in large population cohorts (gnomAD); In silico analysis supports that this missense variant has a deleterious effect on protein structure/function